The following is an entry in ClinVar:

NM_181523.3(PIK3R1):c.701A>G (p.His234Arg)

Gene: PIK3R1 (phosphoinositide-3-kinase regulatory subunit 1; plus strand). Cytogenetic location: 5q13.1.
Variant type: single nucleotide variant.
Coding change: c.701A>G on transcript NM_181523.3 (MANE Select); coding-DNA position 701, A replaced by G.
Protein change: p.His234Arg; replaces histidine 234 with arginine.
Molecular consequence: missense variant.
Genome position (GRCh38, 1-based): chr5:68,280,594, A>G. VCF-style: chr5-68280594-A-G. GRCh37 (hg19) VCF-style: chr5-67576422-A-G.
Other names: c.701A>G (NM_181523.2); short protein forms H234R.
Identifiers: ClinVar variation 1384924 (VCV001384924.10), dbSNP rs746719882, ClinGen allele CA3290126.

ClinVar aggregate classification (germline): Uncertain significance. Review status: criteria provided, multiple submitters, no conflicts (2 of 4 stars). 3 submissions from 3 submitters: Uncertain significance (3). Last evaluated 2025-04-08.

Conditions:
SHORT syndrome. Also called: SHORT STATURE, HYPEREXTENSIBILITY, HERNIA, OCULAR DEPRESSION, RIEGER ANOMALY, AND TEETHING DELAY; PIK3R1-Related SHORT Syndrome; LIPODYSTROPHY, PARTIAL, WITH RIEGER ANOMALY AND SHORT STATURE. Identifiers: Orphanet 3163, MedGen C0878684, MONDO:0010026, OMIM 269880.
Agammaglobulinemia 7, autosomal recessive (AGM7). Also called: AGAMMAGLOBULINEMIA, AUTOSOMAL RECESSIVE, DUE TO PIK3R1 DEFECT. Identifiers: MedGen C3554689, MONDO:0014083, OMIM 615214.
Immunodeficiency 36 with lymphoproliferation. Also called: Activated PI3K Delta Syndrome Type 2 (APDS2); ACTIVATED PI3K-DELTA SYNDROME 2; Immunodeficiency 36. Identifiers: Orphanet 397596, Orphanet 693681, MedGen C4014934, MONDO:0014453, OMIM 616005.
Inborn genetic diseases. Identifiers: MedGen C0950123, MeSH D030342.

Allele frequency attached by ClinVar (database versions not stated): gnomAD 0.00001; TOPMed 0.00001.
gnomAD v4.1: 8 of 1,613,162 alleles (0.0005%); highest among the groups gnomAD compares: South Asian, 0.0033%; no homozygotes.

Submissions (3):

Ambry Genetics
Classification: Uncertain significance for Inborn genetic diseases. Last evaluated: 2025-04-08. Review status: criteria provided, single submitter. Criteria: Ambry Variant Classification Scheme 2023. Collection method: clinical testing. Allele origin: germline.

Labcorp Genetics (formerly Invitae), Labcorp
Classification: Uncertain significance for SHORT syndrome; Immunodeficiency 36 with lymphoproliferation; Agammaglobulinemia 7, autosomal recessive. Last evaluated: 2024-09-09. Review status: criteria provided, single submitter. Criteria: Invitae Variant Classification Sherloc (09022015). Collection method: clinical testing. Allele origin: germline.
Comment: This sequence change replaces histidine, which is basic and polar, with arginine, which is basic and polar, at codon 234 of the PIK3R1 protein (p.His234Arg). This variant is present in population databases (rs746719882, gnomAD 0.01%). This variant has not been reported in the literature in individuals affected with PIK3R1-related conditions. ClinVar contains an entry for this variant (Variation ID: 1384924). An algorithm developed to predict the effect of missense changes on protein structure and function (PolyPhen-2) suggests that this variant is likely to be tolerated. In summary, the available evidence is currently insufficient to determine the role of this variant in disease. Therefore, it has been classified as a Variant of Uncertain Significance.

Blueprint Genetics
Classification: Uncertain significance. Last evaluated: 2024-02-28. Review status: criteria provided, single submitter. Criteria: ACMG Guidelines, 2015. Collection method: clinical testing. Allele origin: germline.